The following is an entry in ClinVar:

NM_007315.4(STAT1):c.990G>A (p.Gln330=)

Gene: STAT1 (signal transducer and activator of transcription 1; minus strand). Cytogenetic location: 2q32.2.
Variant type: single nucleotide variant.
Coding change: c.990G>A on transcript NM_007315.4 (MANE Select); coding-DNA position 990, G replaced by A.
Protein change: p.Gln330=; no amino-acid change (glutamine 330 retained).
Molecular consequence: synonymous variant. On other transcripts: intron variant (1).
Genome position (GRCh38, 1-based): chr2:190,991,275, C>T on the plus strand (G>A on the coding strand, the complement: STAT1 is on the minus strand). VCF-style: chr2-190991275-C-T. GRCh37 (hg19) VCF-style: chr2-191856001-C-T.
Other names: p.Gln330=; c.990G>A, p.Gln330= (NM_001384880.1, NM_001384882.1, NM_001384886.1 and 3 more transcripts); c.996G>A, p.Gln332= (NM_001384881.1, NM_001384884.1); c.891G>A, p.Gln297= (NM_001384883.1); c.831G>A, p.Gln277= (NM_001384885.1); c.900G>A, p.Gln300= (NM_001384890.1); c.1026G>A, p.Gln342= (NM_001384891.1); c.945-1601G>A (NM_001384887.1).
Identifiers: ClinVar variation 333284 (VCV000333284.46), dbSNP rs41509946, ClinGen allele CA2030102.

ClinVar aggregate classification (germline): Benign/Likely benign. Review status: criteria provided, multiple submitters, no conflicts (2 of 4 stars). 8 submissions from 8 submitters: Benign (3); Likely benign (3). 2 of the submissions do not count toward it. Last evaluated 2026-06-01.

Conditions:
Mendelian susceptibility to mycobacterial diseases due to partial STAT1 deficiency. Also called: IMMUNODEFICIENCY 31A, MYCOBACTERIOSIS, AUTOSOMAL DOMINANT; STAT1 DEFICIENCY, AUTOSOMAL DOMINANT; Immunodeficiency 31a. Identifiers: Orphanet 319595, MedGen C4013950, MONDO:0013956, OMIM 614892.
Immunodeficiency 31B. Also called: IMMUNODEFICIENCY 31B, MYCOBACTERIAL AND VIRAL INFECTIONS, AUTOSOMAL RECESSIVE; STAT1 DEFICIENCY, AUTOSOMAL RECESSIVE. Identifiers: Orphanet 391311, MedGen C3151088, MONDO:0013427, OMIM 613796.
Autoimmune enteropathy and endocrinopathy - susceptibility to chronic infections syndrome. Also called: Immunodeficiency 31C, autosomal dominant; Immunodeficiency 31C. Identifiers: Orphanet 391487, MedGen C3279990, MONDO:0013599, OMIM 614162.

Allele frequency attached by ClinVar (database versions not stated): gnomAD 0.00272 and 0.00295; TOPMed 0.00315; gnomAD exomes 0.00350 and 0.00352; ExAC 0.00360; ESP Exome Variant Server 0.00361; 1000 Genomes Project 0.00399; 1000 Genomes Project 30x 0.00453.
gnomAD v4.1: 5,640 of 1,614,146 alleles (0.35%); highest among the groups gnomAD compares: Middle Eastern, 1.2%; 22 homozygotes.

Submissions (8):

CeGaT Center for Human Genetics Tuebingen
Classification: Likely benign. Last evaluated: 2026-06-01. Review status: criteria provided, single submitter. Criteria: CeGaT Center For Human Genetics Tuebingen Variant Classification Criteria Version 2. Collection method: clinical testing. Allele origin: germline. Affected: yes. Observed: 11 variant alleles.
Comment: STAT1: BP4, BS2

Labcorp Genetics (formerly Invitae), Labcorp
Classification: Benign for Mendelian susceptibility to mycobacterial diseases due to partial STAT1 deficiency; Immunodeficiency 31B; Autoimmune enteropathy and endocrinopathy - susceptibility to chronic infections syndrome. Last evaluated: 2026-02-02. Review status: criteria provided, single submitter. Criteria: Invitae Variant Classification Sherloc (09022015). Collection method: clinical testing. Allele origin: germline.

Mayo Clinic Laboratories, Mayo Clinic
Classification: Benign. Last evaluated: 2025-04-28. Review status: criteria provided, single submitter. Criteria: ACMG Guidelines, 2015. Collection method: clinical testing. Allele origin: germline. Observed: 4 variant alleles.
Comment: BS1, BS2, BP4, BP7

Illumina Laboratory Services, Illumina
Classification: Benign for Mendelian susceptibility to mycobacterial diseases due to partial STAT1 deficiency. Last evaluated: 2018-01-12. Review status: criteria provided, single submitter. Criteria: ICSL Variant Classification Criteria 13 December 2019. Collection method: clinical testing. Allele origin: germline.
Comment: This variant was observed in the ICSL laboratory as part of a predisposition screen in an ostensibly healthy population. It had not been previously curated by ICSL or reported in the Human Gene Mutation Database (HGMD: prior to June 1st, 2018), and was therefore a candidate for classification through an automated scoring system. Utilizing variant allele frequency, disease prevalence and penetrance estimates, and inheritance mode, an automated score was calculated to assess if this variant is too frequent to cause the disease. Based on the score and internal cut-off values, a variant classified as benign is not then subjected to further curation. The score for this variant resulted in a classification of benign for this disease.

Genetic Services Laboratory, University of Chicago
Classification: Likely benign. Last evaluated: 2016-08-15. Review status: criteria provided, single submitter. Criteria: ACMG Guidelines, 2015. Collection method: clinical testing. Allele origin: germline. Affected: no.

Breakthrough Genomics
Classification: Likely benign. Review status: criteria provided, single submitter. Criteria: ACMG Guidelines, 2015. Collection method: not provided. Allele origin: germline. Inheritance: Autosomal recessive inheritance. Affected: yes.

Clinical Genetics DNA and cytogenetics Diagnostics Lab, Erasmus MC, Erasmus Medical Center
Classification: Likely benign. Review status: no assertion criteria provided. Collection method: clinical testing. Allele origin: germline. Affected: yes. Study: VKGL Data-share Consensus. Not counted in ClinVar's aggregate classification.

Genome Diagnostics Laboratory, University Medical Center Utrecht
Classification: Likely benign. Review status: no assertion criteria provided. Collection method: clinical testing. Allele origin: germline. Affected: yes. Study: VKGL Data-share Consensus. Not counted in ClinVar's aggregate classification.